The following is an entry in ClinVar:

ClinVar aggregate classification (germline): Uncertain significance (1 of 4 stars; one submission).

Conditions:
Weaver syndrome (WVS). Also called: Weaver Smith syndrome; Overgrowth syndrome with accelerated skeletal maturation, unusual facies, and camptodactyly. Identifiers: Orphanet 3447, MedGen C0265210, MONDO:0010193, OMIM 277590.

Allele frequency attached by ClinVar (database versions not stated): gnomAD exomes below 0.00001.
gnomAD v4.1: 4 of 1,574,352 alleles (0.00025%); highest among the groups gnomAD compares: Non-Finnish European, 0.00017%; no homozygotes.

Submission:

Labcorp Genetics (formerly Invitae), Labcorp
Classification: Uncertain significance for Weaver syndrome. Last evaluated: 2022-09-24. Review status: criteria provided, single submitter. Criteria: Invitae Variant Classification Sherloc (09022015). Collection method: clinical testing. Allele origin: germline.
Comment: In summary, the available evidence is currently insufficient to determine the role of this variant in disease. Therefore, it has been classified as a Variant of Uncertain Significance. Advanced modeling of protein sequence and biophysical properties (such as structural, functional, and spatial information, amino acid conservation, physicochemical variation, residue mobility, and thermodynamic stability) performed at Invitae indicates that this missense variant is not expected to disrupt EZH2 protein function. This variant has not been reported in the literature in individuals affected with EZH2-related conditions. This variant is not present in population databases (gnomAD no frequency). This sequence change replaces cysteine, which is neutral and slightly polar, with tyrosine, which is neutral and polar, at codon 300 of the EZH2 protein (p.Cys300Tyr).

NM_004456.5(EZH2):c.899G>A (p.Cys300Tyr)

Gene: EZH2 (enhancer of zeste 2 polycomb repressive complex 2 subunit; minus strand). Cytogenetic location: 7q36.1.
Variant type: single nucleotide variant.
Coding change: c.899G>A on transcript NM_004456.5 (MANE Select); coding-DNA position 899, G replaced by A.
Protein change: p.Cys300Tyr; replaces cysteine 300 with tyrosine.
Molecular consequence: missense variant. On other transcripts: intron variant (4).
Genome position (GRCh38, 1-based): chr7:148,826,462, C>T on the plus strand (G>A on the coding strand, the complement: EZH2 is on the minus strand). VCF-style: chr7-148826462-C-T. GRCh37 (hg19) VCF-style: chr7-148523554-C-T.
Other names: c.865+7G>A (NM_001203248.2, NM_001203249.2); c.775+7G>A (NM_152998.3); c.892+7G>A (NM_001203247.2); short protein forms C300Y.
Identifiers: ClinVar variation 1903744 (VCV001903744.5), dbSNP rs897885462, ClinGen allele CA168920183.